The following is an entry in ClinVar:

NM_001378120.1(MBD5):c.3929T>G (p.Val1310Gly)

Gene: MBD5 (methyl-CpG binding domain protein 5; plus strand). Cytogenetic location: 2q23.1.
Variant type: single nucleotide variant.
Coding change: c.3929T>G on transcript NM_001378120.1 (MANE Select); coding-DNA position 3929, T replaced by G.
Protein change: p.Val1310Gly; replaces valine 1310 with glycine.
Molecular consequence: missense variant.
Genome position (GRCh38, 1-based): chr2:148,489,561, T>G. VCF-style: chr2-148489561-T-G. GRCh37 (hg19) VCF-style: chr2-149247130-T-G.
Other names: c.3230T>G, p.Val1077Gly (NM_018328.5); short protein forms V1077G, V1310G.
Identifiers: ClinVar variation 3662527 (VCV003662527.2).

ClinVar aggregate classification (germline): Uncertain significance (1 of 4 stars; one submission).

Conditions:
Intellectual developmental disorder, autosomal dominant 1. Also called: MBD5 Haploinsufficiency; Intellectual disability, autosomal dominant 1. Identifiers: Orphanet 228402, MedGen C1969562, MONDO:0007974, OMIM 156200.

Submission:

Labcorp Genetics (formerly Invitae), Labcorp
Classification: Uncertain significance for Intellectual developmental disorder, autosomal dominant 1. Last evaluated: 2024-08-15. Review status: criteria provided, single submitter. Criteria: Invitae Variant Classification Sherloc (09022015). Collection method: clinical testing. Allele origin: germline.
Comment: This sequence change replaces valine, which is neutral and non-polar, with glycine, which is neutral and non-polar, at codon 1077 of the MBD5 protein (p.Val1077Gly). This variant is not present in population databases (gnomAD no frequency). This variant has not been reported in the literature in individuals affected with MBD5-related conditions. Invitae Evidence Modeling of protein sequence and biophysical properties (such as structural, functional, and spatial information, amino acid conservation, physicochemical variation, residue mobility, and thermodynamic stability) indicates that this missense variant is not expected to disrupt MBD5 protein function with a negative predictive value of 80%. In summary, the available evidence is currently insufficient to determine the role of this variant in disease. Therefore, it has been classified as a Variant of Uncertain Significance.